The following is an entry in ClinVar:

ClinVar aggregate classification (germline): Uncertain significance (1 of 4 stars; one submission).

gnomAD v4.1: 2 of 1,614,144 alleles (0.00012%); highest among the groups gnomAD compares: Admixed American, 0.0017%; no homozygotes.

Submission:

GeneDx
Classification: Uncertain significance. Last evaluated: 2025-06-17. Review status: criteria provided, single submitter. Criteria: GeneDx Variant Classification Process June 2021. Collection method: clinical testing. Allele origin: germline. Affected: yes.
Comment: Not observed at significant frequency in large population cohorts (gnomAD); In silico analysis supports that this missense variant has a deleterious effect on protein structure/function; Has not been previously published as pathogenic or benign to our knowledge

NM_002430.3(MN1):c.103A>G (p.Lys35Glu)

Gene: MN1 (MN1 proto-oncogene, transcriptional regulator; minus strand). Cytogenetic location: 22q12.1.
Variant type: single nucleotide variant.
Coding change: c.103A>G on transcript NM_002430.3 (MANE Select); coding-DNA position 103, A replaced by G.
Protein change: p.Lys35Glu; replaces lysine 35 with glutamic acid.
Molecular consequence: missense variant.
Genome position (GRCh38, 1-based): chr22:27,800,441, T>C on the plus strand (A>G on the coding strand, the complement: MN1 is on the minus strand). VCF-style: chr22-27800441-T-C. GRCh37 (hg19) VCF-style: chr22-28196429-T-C.
Other names: short protein forms K35E.
Identifiers: ClinVar variation 4538754 (VCV004538754.1).